The following is an entry in ClinVar:

ClinVar aggregate classification (germline): Uncertain significance (1 of 4 stars; one submission).

Submission:

Labcorp Genetics (formerly Invitae), Labcorp
Classification: Uncertain significance. Last evaluated: 2022-06-07. Review status: criteria provided, single submitter. Criteria: Invitae Variant Classification Sherloc (09022015). Collection method: clinical testing. Allele origin: germline.
Comment: In summary, the available evidence is currently insufficient to determine the role of this variant in disease. Therefore, it has been classified as a Variant of Uncertain Significance. Algorithms developed to predict the effect of missense changes on protein structure and function (SIFT, PolyPhen-2, Align-GVGD) all suggest that this variant is likely to be disruptive. This variant has not been reported in the literature in individuals affected with IMPDH1-related conditions. This variant is not present in population databases (gnomAD no frequency). This sequence change replaces serine, which is neutral and polar, with phenylalanine, which is neutral and non-polar, at codon 153 of the IMPDH1 protein (p.Ser153Phe).

NM_000883.4(IMPDH1):c.458C>T (p.Ser153Phe)

Gene: IMPDH1 (inosine monophosphate dehydrogenase 1; minus strand). Cytogenetic location: 7q32.1.
Variant type: single nucleotide variant.
Coding change: c.458C>T on transcript NM_000883.4 (MANE Select); coding-DNA position 458, C replaced by T.
Protein change: p.Ser153Phe; replaces serine 153 with phenylalanine.
Molecular consequence: missense variant.
Genome position (GRCh38, 1-based): chr7:128,401,061, G>A on the plus strand (C>T on the coding strand, the complement: IMPDH1 is on the minus strand). VCF-style: chr7-128401061-G-A. GRCh37 (hg19) VCF-style: chr7-128041115-G-A.
Other names: c.428C>T, p.Ser143Phe (NM_001102605.2); c.203C>T, p.Ser68Phe (NM_001142573.2, NM_001142574.2, NM_001142575.2); c.359C>T, p.Ser120Phe (NM_001142576.2); c.251C>T, p.Ser84Phe (NM_001304521.2); c.350C>T, p.Ser117Phe (NM_183243.3); short protein forms S120F, S117F, S143F, S68F, S84F, S153F.
Identifiers: ClinVar variation 1951035 (VCV001951035.5), dbSNP rs1562994573, ClinGen allele CA369174473.